The following is an entry in ClinVar:

NM_000426.4(LAMA2):c.3665A>G (p.Asp1222Gly)

Gene: LAMA2 (laminin subunit alpha 2; plus strand). Cytogenetic location: 6q22.33.
Variant type: single nucleotide variant.
Coding change: c.3665A>G on transcript NM_000426.4 (MANE Select); coding-DNA position 3665, A replaced by G.
Protein change: p.Asp1222Gly; replaces aspartic acid 1222 with glycine.
Molecular consequence: missense variant.
Genome position (GRCh38, 1-based): chr6:129,315,585, A>G. VCF-style: chr6-129315585-A-G. GRCh37 (hg19) VCF-style: chr6-129636730-A-G.
Other names: c.3665A>G, p.Asp1222Gly (NM_001079823.2); short protein forms D1222G.
Identifiers: ClinVar variation 800186 (VCV000800186.13), dbSNP rs368240215, ClinGen allele CA3993325.

ClinVar aggregate classification (germline): Benign/Likely benign. Review status: criteria provided, multiple submitters, no conflicts (2 of 4 stars). 3 submissions from 3 submitters: Benign (1); Likely benign (2). Last evaluated 2026-01-24.

Conditions:
LAMA2-related disorder. Also called: LAMA2-related condition; LAMA2-related disorders.
LAMA2-related muscular dystrophy (LAMA2-RD). Also called: Laminin alpha 2-related dystrophy. Identifiers: MedGen C5679788, MONDO:0100228.

Allele frequency attached by ClinVar (database versions not stated): gnomAD exomes 0.00016 and 0.00030; ExAC 0.00029.
gnomAD v4.1: 248 of 1,614,174 alleles (0.015%); highest among the groups gnomAD compares: South Asian, 0.24%; 3 homozygotes.

Submissions (3):

Labcorp Genetics (formerly Invitae), Labcorp
Classification: Benign for LAMA2-related muscular dystrophy. Last evaluated: 2026-01-24. Review status: criteria provided, single submitter. Criteria: Invitae Variant Classification Sherloc (09022015). Collection method: clinical testing. Allele origin: germline.

PreventionGenetics, part of Exact Sciences
Classification: Likely benign for LAMA2-related condition. Last evaluated: 2025-08-11. Review status: criteria provided, single submitter. Criteria: ACMG Guidelines, 2015. Collection method: clinical testing. Allele origin: germline.
Comment: This variant is classified as likely benign based on ACMG/AMP sequence variant interpretation guidelines (Richards et al. 2015 PMID: 25741868, with internal and published modifications).

Revvity Omics, Revvity
Classification: Likely benign. Last evaluated: 2023-05-23. Review status: criteria provided, single submitter. Criteria: ACMG Guidelines, 2015. Collection method: clinical testing. Allele origin: germline.